The following is an entry in ClinVar:

NM_003201.3(TFAM):c.221-166G>A

Gene: TFAM (transcription factor A, mitochondrial; plus strand). Cytogenetic location: 10q21.1.
Variant type: single nucleotide variant.
Coding change: c.221-166G>A on transcript NM_003201.3 (MANE Select); 166 bases into the intron before coding-DNA position 221, G replaced by A.
Molecular consequence: intron variant.
Genome position (GRCh38, 1-based): chr10:58,388,024, G>A. VCF-style: chr10-58388024-G-A. GRCh37 (hg19) VCF-style: chr10-60147784-G-A.
Other names: c.221-166G>A (NM_001270782.2).
Identifiers: ClinVar variation 684187 (VCV000684187.1), dbSNP rs10763537, ClinGen allele CA13156051.
Genomic context (GRCh38, chr10:58,388,024, plus strand): 5'-ACTGTTGACTGTTTCTGGTGGTATATGGTATACTCCTTAGTTGTTAGATAATAGACTTTT[G>A]ATAATGTTGGATAAATTACTTACGTTTAAATTAGTTGGATAAAGGAAAGTTAAATCATTA-3'

ClinVar aggregate classification (germline): Benign (1 of 4 stars; one submission).

Allele frequency attached by ClinVar (database versions not stated): gnomAD 0.52654 and 0.53465; TOPMed 0.54633; 1000 Genomes Project 0.54732; 1000 Genomes Project 30x 0.55512.
gnomAD v4.1: 80,018 of 151,956 alleles (53%); highest among the groups gnomAD compares: African/African-American, 78%; 23,009 homozygotes.

Submission:

GeneDx
Classification: Benign. Last evaluated: 2018-06-14. Review status: criteria provided, single submitter. Criteria: GeneDx Variant Classification (06012015). Collection method: clinical testing. Allele origin: germline. Affected: yes.
Comment: This variant is considered likely benign or benign based on one or more of the following criteria: it is a conservative change, it occurs at a poorly conserved position in the protein, it is predicted to be benign by multiple in silico algorithms, and/or has population frequency not consistent with disease.